The following is an entry in ClinVar:

ClinVar aggregate classification (germline): Uncertain significance. Review status: criteria provided, multiple submitters, no conflicts (2 of 4 stars). 3 submissions from 3 submitters: Uncertain significance (3). Last evaluated 2024-05-06.

Conditions:
MYPN-related myopathy (CMYO24). Also called: Nemaline myopathy 11, autosomal recessive. Identifiers: MedGen C4479186, MONDO:0015023, OMIM 617336.
Cardiovascular phenotype. Identifiers: MedGen CN230736.
Dilated cardiomyopathy 1KK (CMD1KK). Identifiers: Orphanet 154, Orphanet 75249, MedGen C3714995, MONDO:0014100, OMIM 615248.

Submissions (3):

Labcorp Genetics (formerly Invitae), Labcorp
Classification: Uncertain significance for Dilated cardiomyopathy 1KK. Last evaluated: 2024-05-06. Review status: criteria provided, single submitter. Criteria: Invitae Variant Classification Sherloc (09022015). Collection method: clinical testing. Allele origin: germline.
Comment: This sequence change replaces valine, which is neutral and non-polar, with phenylalanine, which is neutral and non-polar, at codon 976 of the MYPN protein (p.Val976Phe). This variant is not present in population databases (gnomAD no frequency). This variant has not been reported in the literature in individuals affected with MYPN-related conditions. ClinVar contains an entry for this variant (Variation ID: 477753). An algorithm developed to predict the effect of missense changes on protein structure and function (PolyPhen-2) suggests that this variant is likely to be disruptive. In summary, the available evidence is currently insufficient to determine the role of this variant in disease. Therefore, it has been classified as a Variant of Uncertain Significance.

Genomic Medicine Center of Excellence, King Faisal Specialist Hospital and Research Centre
Classification: Uncertain significance for MYPN-related myopathy. Last evaluated: 2024-03-26. Review status: criteria provided, single submitter. Criteria: ACMG Guidelines, 2015. Collection method: clinical testing. Allele origin: germline.

Ambry Genetics
Classification: Uncertain significance for Cardiovascular phenotype. Last evaluated: 2022-01-19. Review status: criteria provided, single submitter. Criteria: Ambry Variant Classification Scheme 2023. Collection method: clinical testing. Allele origin: germline.
Comment: The p.V976F variant (also known as c.2926G>T) is located in coding exon 13 of the MYPN gene. The valine at codon 976 is replaced by phenylalanine, an amino acid with highly similar properties. This change occurs in the first base pair of coding exon 13. This amino acid position is conserved. In addition, this alteration is predicted to be deleterious by in silico analysis. Since supporting evidence is limited at this time, the clinical significance of this alteration remains unclear.

NM_032578.4(MYPN):c.2926G>T (p.Val976Phe)

Gene: MYPN (myopalladin; plus strand). Cytogenetic location: 10q21.3.
Variant type: single nucleotide variant.
Coding change: c.2926G>T on transcript NM_032578.4 (MANE Select); coding-DNA position 2926, G replaced by T.
Protein change: p.Val976Phe; replaces valine 976 with phenylalanine.
Molecular consequence: missense variant. On other transcripts: non-coding transcript variant (2).
Genome position (GRCh38, 1-based): chr10:68,194,363, G>T. VCF-style: chr10-68194363-G-T. GRCh37 (hg19) VCF-style: chr10-69954120-G-T.
Other names: c.2926G>T, p.Val976Phe (NM_001256267.2); c.2044G>T, p.Val682Phe (NM_001256268.2); short protein forms V976F, V682F.
Identifiers: ClinVar variation 477753 (VCV000477753.11), dbSNP rs943422668, ClinGen allele CA208221775.